The following is an entry in ClinVar:

NM_001171613.2(PREPL):c.1184T>C (p.Met395Thr)

Gene: PREPL (prolyl endopeptidase like; minus strand). Cytogenetic location: 2p21.
Variant type: single nucleotide variant.
Coding change: c.1184T>C on transcript NM_001171613.2 (MANE Select); coding-DNA position 1184, T replaced by C.
Protein change: p.Met395Thr; replaces methionine 395 with threonine.
Molecular consequence: missense variant.
Genome position (GRCh38, 1-based): chr2:44,329,015, A>G on the plus strand (T>C on the coding strand, the complement: PREPL is on the minus strand). VCF-style: chr2-44329015-A-G. GRCh37 (hg19) VCF-style: chr2-44556154-A-G.
Other names: c.1265T>C, p.Met422Thr (NM_001042385.2); c.1253T>C, p.Met418Thr (NM_001042386.2); c.1451T>C, p.Met484Thr (NM_001171603.1, NM_001171606.2, NM_001374275.1 and 2 more transcripts); c.1184T>C, p.Met395Thr (NM_001171617.1, NM_001374277.1); short protein forms M484T, M395T, M418T, M422T.
Identifiers: ClinVar variation 1391281 (VCV001391281.5), dbSNP rs763916560, ClinGen allele CA1641207.

ClinVar aggregate classification (germline): Uncertain significance (1 of 4 stars; one submission).

Conditions:
Myasthenic syndrome, congenital, 22 (CMS22). Also called: PREPL DEFICIENCY. Identifiers: MedGen C4479088, MONDO:0044299, OMIM 616224.

Allele frequency attached by ClinVar (database versions not stated): ExAC 0.00001; TOPMed 0.00001; gnomAD exomes 0.00001.
gnomAD v4.1: 10 of 1,614,004 alleles (0.00062%); highest among the groups gnomAD compares: Admixed American, 0.0017%; no homozygotes.

Submission:

Labcorp Genetics (formerly Invitae), Labcorp
Classification: Uncertain significance for Myasthenic syndrome, congenital, 22. Last evaluated: 2022-08-16. Review status: criteria provided, single submitter. Criteria: Invitae Variant Classification Sherloc (09022015). Collection method: clinical testing. Allele origin: germline.
Comment: This sequence change replaces methionine, which is neutral and non-polar, with threonine, which is neutral and polar, at codon 484 of the PREPL protein (p.Met484Thr). This variant is present in population databases (rs763916560, gnomAD 0.003%). This variant has not been reported in the literature in individuals affected with PREPL-related conditions. ClinVar contains an entry for this variant (Variation ID: 1391281). Algorithms developed to predict the effect of missense changes on protein structure and function are either unavailable or do not agree on the potential impact of this missense change (SIFT: "Deleterious"; PolyPhen-2: "Benign"; Align-GVGD: "Class C0"). In summary, the available evidence is currently insufficient to determine the role of this variant in disease. Therefore, it has been classified as a Variant of Uncertain Significance.